The following is an entry in ClinVar:

NM_001035.3(RYR2):c.3515C>T (p.Thr1172Ile)

Gene: RYR2 (ryanodine receptor 2; plus strand). Cytogenetic location: 1q43.
Variant type: single nucleotide variant.
Coding change: c.3515C>T on transcript NM_001035.3 (MANE Select); coding-DNA position 3515, C replaced by T.
Protein change: p.Thr1172Ile; replaces threonine 1172 with isoleucine.
Molecular consequence: missense variant.
Genome position (GRCh38, 1-based): chr1:237,569,236, C>T. VCF-style: chr1-237569236-C-T. GRCh37 (hg19) VCF-style: chr1-237732536-C-T.
Other names: short protein forms T1172I.
Identifiers: ClinVar variation 1417790 (VCV001417790.6), dbSNP rs768755342, ClinGen allele CA086404.

ClinVar aggregate classification (germline): Uncertain significance (1 of 4 stars; one submission).

Conditions:
Catecholaminergic polymorphic ventricular tachycardia 1. Also called: RYR2-Related Catecholaminergic Polymorphic Ventricular Tachycardia; VENTRICULAR TACHYCARDIA, STRESS-INDUCED POLYMORPHIC 1; VENTRICULAR TACHYCARDIA, CATECHOLAMINERGIC POLYMORPHIC, 1, WITH OR WITHOUT ATRIAL DYSFUNCTION AND/OR DILATED CARDIOMYOPATHY. Identifiers: Orphanet 3286, MedGen C1631597, MONDO:0011484, OMIM 604772.

Allele frequency attached by ClinVar (database versions not stated): gnomAD exomes below 0.00001; TOPMed below 0.00001; ExAC 0.00001.
gnomAD v4.1: 1 of 1,613,920 alleles (0.000062%); highest among the groups gnomAD compares: Non-Finnish European, 0.000085%; no homozygotes.

Submission:

Labcorp Genetics (formerly Invitae), Labcorp
Classification: Uncertain significance for Catecholaminergic polymorphic ventricular tachycardia 1. Last evaluated: 2022-03-18. Review status: criteria provided, single submitter. Criteria: Invitae Variant Classification Sherloc (09022015). Collection method: clinical testing. Allele origin: germline.
Comment: This sequence change replaces threonine, which is neutral and polar, with isoleucine, which is neutral and non-polar, at codon 1172 of the RYR2 protein (p.Thr1172Ile). This variant is present in population databases (rs768755342, gnomAD 0.0009%). This variant has not been reported in the literature in individuals affected with RYR2-related conditions. Advanced modeling of protein sequence and biophysical properties (such as structural, functional, and spatial information, amino acid conservation, physicochemical variation, residue mobility, and thermodynamic stability) performed at Invitae indicates that this missense variant is not expected to disrupt RYR2 protein function. In summary, the available evidence is currently insufficient to determine the role of this variant in disease. Therefore, it has been classified as a Variant of Uncertain Significance.